The following is an entry in ClinVar:

NM_001347721.2(DYRK1A):c.228C>G (p.Phe76Leu)

Gene: DYRK1A (dual specificity tyrosine phosphorylation regulated kinase 1A; plus strand). Cytogenetic location: 21q22.13.
Variant type: single nucleotide variant.
Coding change: c.228C>G on transcript NM_001347721.2 (MANE Select); coding-DNA position 228, C replaced by G.
Protein change: p.Phe76Leu; replaces phenylalanine 76 with leucine.
Molecular consequence: missense variant.
Genome position (GRCh38, 1-based): chr21:37,478,228, C>G. VCF-style: chr21-37478228-C-G. GRCh37 (hg19) VCF-style: chr21-38850530-C-G.
Other names: c.228C>G, p.Phe76Leu (NM_001347722.2, NM_130436.2); c.141C>G, p.Phe47Leu (NM_001347723.2); c.255C>G, p.Phe85Leu (NM_001396.5, NM_101395.2, NM_130438.2); short protein forms F47L, F76L, F85L.
Identifiers: ClinVar variation 3365934 (VCV003365934.1).

ClinVar aggregate classification (germline): Uncertain significance (1 of 4 stars; one submission).

Submission:

GeneDx
Classification: Uncertain significance. Last evaluated: 2023-12-21. Review status: criteria provided, single submitter. Criteria: GeneDx Variant Classification Process June 2021. Collection method: clinical testing. Allele origin: germline. Affected: yes.
Comment: Not observed at significant frequency in large population cohorts (gnomAD); In silico analysis supports that this missense variant has a deleterious effect on protein structure/function; Has not been previously published as pathogenic or benign to our knowledge